The following is an entry in ClinVar:

NM_005559.4(LAMA1):c.385G>A (p.Ala129Thr)

Gene: LAMA1 (laminin subunit alpha 1; minus strand). Cytogenetic location: 18p11.31.
Variant type: single nucleotide variant.
Coding change: c.385G>A on transcript NM_005559.4 (MANE Select); coding-DNA position 385, G replaced by A.
Protein change: p.Ala129Thr; replaces alanine 129 with threonine.
Molecular consequence: missense variant.
Genome position (GRCh38, 1-based): chr18:7,050,897, C>T on the plus strand (G>A on the coding strand, the complement: LAMA1 is on the minus strand). VCF-style: chr18-7050897-C-T. GRCh37 (hg19) VCF-style: chr18-7050896-C-T.
Other names: short protein forms A129T.
Identifiers: ClinVar variation 3368982 (VCV003368982.1).
Genomic context (GRCh38, chr18:7,050,897, plus strand): 5'-AGGGGCTGAACGTGGTGCCATCCAGAGAACGCTCCAAAATCCAGTTTCCAGGTCGAGGGG[C>T]ATTGGCAGCTTTAATGATGACATATGCAACTTGAAAGACCTGAAACAAAGACACTGAAAA-3'
Protein context (NP_005550.2, residues 119-139): VAYVIIKAAN[Ala129Thr]PRPGNWILER

ClinVar aggregate classification (germline): Uncertain significance (1 of 4 stars; one submission).

Submission:

GeneDx
Classification: Uncertain significance. Last evaluated: 2024-02-08. Review status: criteria provided, single submitter. Criteria: GeneDx Variant Classification Process June 2021. Collection method: clinical testing. Allele origin: germline. Affected: yes.
Comment: In silico analysis supports that this missense variant does not alter protein structure/function; Has not been previously published as pathogenic or benign to our knowledge